The following is an entry in ClinVar:

NM_020207.7(ERCC6L2):c.1811C>T (p.Thr604Ile)

Gene: ERCC6L2 (ERCC excision repair 6 like 2; plus strand). Cytogenetic location: 9q22.32.
Variant type: single nucleotide variant.
Coding change: c.1811C>T on transcript NM_020207.7 (MANE Select); coding-DNA position 1811, C replaced by T.
Protein change: p.Thr604Ile; replaces threonine 604 with isoleucine.
Molecular consequence: missense variant. On other transcripts: non-coding transcript variant (1).
Genome position (GRCh38, 1-based): chr9:95,941,513, C>T. VCF-style: chr9-95941513-C-T. GRCh37 (hg19) VCF-style: chr9-98703795-C-T.
Other names: c.1811C>T, p.Thr604Ile (NM_001010895.4, NM_001375291.1, NM_001375292.1 and 2 more transcripts); short protein forms T604I.
Identifiers: ClinVar variation 3845845 (VCV003845845.1).
Genomic context (GRCh38, chr9:95,941,513, plus strand): 5'-GGGCTGGTGGACTAGGCCTCAATTTTGTCGGTGCCAATGTTGTTGTATTATTTGATCCTA[C>T]TTGGAATCCAGCCAATGATCTTCAAGCCATTGACAGGTATAATACTGACAAAATTTAAAG-3'
Protein context (NP_064592.3, residues 594-614): GANVVVLFDP[Thr604Ile]WNPANDLQAI

ClinVar aggregate classification (germline): Uncertain significance (1 of 4 stars; one submission).

Conditions:
Inborn genetic diseases. Identifiers: MedGen C0950123, MeSH D030342.

Submission:

Ambry Genetics
Classification: Uncertain significance for Inborn genetic diseases. Last evaluated: 2025-01-05. Review status: criteria provided, single submitter. Criteria: Ambry Variant Classification Scheme 2023. Collection method: clinical testing. Allele origin: germline.
Comment: The p.T604I variant (also known as c.1811C>T), located in coding exon 12 of the ERCC6L2 gene, results from a C to T substitution at nucleotide position 1811. The threonine at codon 604 is replaced by isoleucine, an amino acid with similar properties. This amino acid position is conserved. In addition, the in silico prediction for this alteration is inconclusive. Based on the available evidence, the clinical significance of this variant remains unclear.